The following is an entry in ClinVar:

NM_001458.5(FLNC):c.3331G>C (p.Asp1111His)

Gene: FLNC (filamin C; plus strand). Cytogenetic location: 7q32.1.
Variant type: single nucleotide variant.
Coding change: c.3331G>C on transcript NM_001458.5 (MANE Select); coding-DNA position 3331, G replaced by C.
Protein change: p.Asp1111His; replaces aspartic acid 1111 with histidine.
Molecular consequence: missense variant.
Genome position (GRCh38, 1-based): chr7:128,844,796, G>C. VCF-style: chr7-128844796-G-C. GRCh37 (hg19) VCF-style: chr7-128484850-G-C.
Other names: c.3331G>C, p.Asp1111His (NM_001127487.2); short protein forms D1111H.
Identifiers: ClinVar variation 4812415 (VCV004812415.1).

ClinVar aggregate classification (germline): Uncertain significance (1 of 4 stars; one submission).

Conditions:
Hypertrophic cardiomyopathy 26. Also called: Cardiomyopathy, familial hypertrophic, 26. Identifiers: Orphanet 75249, MedGen C4310749, MONDO:0014883, OMIM 617047.
Myofibrillar myopathy 5. Also called: Filaminopathy (type); FILAMINOPATHY, AUTOSOMAL DOMINANT. Identifiers: Orphanet 171445, MedGen C1836050, MONDO:0012289, OMIM 609524.
Distal myopathy with posterior leg and anterior hand involvement. Also called: WILLIAMS DISTAL MYOPATHY. Identifiers: Orphanet 63273, MedGen C3279722, MONDO:0013550, OMIM 614065.

gnomAD v4.1: 1 of 1,614,146 alleles (0.000062%); highest among the groups gnomAD compares: Non-Finnish European, 0.000085%; no homozygotes.

Submission:

Labcorp Genetics (formerly Invitae), Labcorp
Classification: Uncertain significance for Distal myopathy with posterior leg and anterior hand involvement; Myofibrillar myopathy 5; Hypertrophic cardiomyopathy 26. Last evaluated: 2025-10-07. Review status: criteria provided, single submitter. Criteria: Invitae Variant Classification Sherloc (09022015). Collection method: clinical testing. Allele origin: germline.
Comment: This sequence change replaces aspartic acid, which is acidic and polar, with histidine, which is basic and polar, at codon 1111 of the FLNC protein (p.Asp1111His). This variant is not present in population databases (gnomAD no frequency). This variant has not been reported in the literature in individuals affected with FLNC-related conditions. Invitae Evidence Modeling of protein sequence and biophysical properties (such as structural, functional, and spatial information, amino acid conservation, physicochemical variation, residue mobility, and thermodynamic stability) has been performed for this missense variant. However, the output from this modeling did not meet the statistical confidence thresholds required to predict the impact of this variant on FLNC protein function. In summary, the available evidence is currently insufficient to determine the role of this variant in disease. Therefore, it has been classified as a Variant of Uncertain Significance.